The following is an entry in ClinVar:

NM_000059.4(BRCA2):c.2091A>G (p.Lys697=)

Gene: BRCA2 (BRCA2 DNA repair associated; plus strand). Cytogenetic location: 13q13.1.
Variant type: single nucleotide variant.
Coding change: c.2091A>G on transcript NM_000059.4 (MANE Select); coding-DNA position 2091, A replaced by G.
Protein change: p.Lys697=; no amino-acid change (lysine 697 retained).
Molecular consequence: synonymous variant.
Genome position (GRCh38, 1-based): chr13:32,336,446, A>G. VCF-style: chr13-32336446-A-G. GRCh37 (hg19) VCF-style: chr13-32910583-A-G.
Identifiers: ClinVar variation 427424 (VCV000427424.11), dbSNP rs876659230, ClinGen allele CA483275159.

ClinVar aggregate classification (germline): Likely benign. Review status: reviewed by expert panel (3 of 4 stars). 6 submissions from 6 submitters: Likely benign (1). 5 of the submissions do not count toward it. Last evaluated 2017-06-29.

Conditions:
Hereditary cancer-predisposing syndrome. Also called: Hereditary neoplastic syndrome; Hereditary Cancer Syndrome; Neoplastic Syndromes, Hereditary; Tumor predisposition. Identifiers: Orphanet 140162, MedGen C0027672, MeSH D009386, MONDO:0015356.
Hereditary breast ovarian cancer syndrome. Also called: Hereditary breast and ovarian cancer syndrome; BRCA1- and BRCA2-Associated Hereditary Breast and Ovarian Cancer; Hereditary breast and/or ovarian cancer syndrome; Hereditary breast and ovarian cancer; Breast and ovarian cancer; Hereditary breast and ovarian cancer syndrome (HBOC). Identifiers: Orphanet 145, MedGen C0677776, MeSH D061325, MONDO:0003582. Disease mechanism: loss of function.
Breast-ovarian cancer, familial, susceptibility to, 2 (BROVCA2). Also called: BRCA2 Hereditary Breast and Ovarian Cancer. Identifiers: Orphanet 145, MedGen C2675520, MONDO:0012933, OMIM 612555. Disease mechanism: loss of function.

Allele frequency attached by ClinVar (database versions not stated): gnomAD 0.00001; gnomAD exomes 0.00001 and 0.00002; TOPMed 0.00001.
gnomAD v4.1: 10 of 1,613,800 alleles (0.00062%); highest among the groups gnomAD compares: Non-Finnish European, 0.00085%; no homozygotes.

Submissions (6):

Evidence-based Network for the Interpretation of Germline Mutant Alleles (ENIGMA)
Classification: Likely benign for Breast-ovarian cancer, familial, susceptibility to, 2. Last evaluated: 2017-06-29. Review status: reviewed by expert panel. Criteria: ENIGMA BRCA1/2 Classification Criteria (2017-06-29). Collection method: curation. Allele origin: germline.
Comment: Synonymous substitution variant, with low bioinformatic likelihood to result in a splicing aberration (Splicing prior probability 0.02).

Labcorp Genetics (formerly Invitae), Labcorp
Classification: Likely benign for Hereditary breast ovarian cancer syndrome. Last evaluated: 2025-11-18. Review status: criteria provided, single submitter. Criteria: Invitae Variant Classification Sherloc (09022015). Collection method: clinical testing. Allele origin: germline. Not counted in ClinVar's aggregate classification.

Ambry Genetics
Classification: Likely benign for Hereditary cancer-predisposing syndrome. Last evaluated: 2024-04-17. Review status: criteria provided, single submitter. Criteria: Ambry Variant Classification Scheme 2023. Collection method: clinical testing. Allele origin: germline. Not counted in ClinVar's aggregate classification.

Genome Diagnostics Laboratory, University Medical Center Utrecht
Classification: Likely benign for Breast-ovarian cancer, familial, susceptibility to, 2. Last evaluated: 2017-07-28. Review status: criteria provided, single submitter. Criteria: ACGS Guidelines, 2013. Collection method: clinical testing. Allele origin: germline. Affected: yes. Study: VKGL Data-share Consensus. Not counted in ClinVar's aggregate classification.

Clinical Genetics DNA and cytogenetics Diagnostics Lab, Erasmus MC, Erasmus Medical Center
Classification: Likely benign for Breast-ovarian cancer, familial, susceptibility to, 2. Last evaluated: 2015-09-21. Review status: criteria provided, single submitter. Criteria: ACGS Guidelines, 2013. Collection method: clinical testing. Allele origin: germline. Affected: yes. Study: VKGL Data-share Consensus. Not counted in ClinVar's aggregate classification.

Clinical Genetics Laboratory, Department of Pathology, Netherlands Cancer Institute
Classification: Likely benign. Review status: no assertion criteria provided. Collection method: clinical testing. Allele origin: germline. Affected: yes. Study: VKGL Data-share Consensus. Not counted in ClinVar's aggregate classification.